The following is an entry in ClinVar:

ClinVar aggregate classification (germline): Uncertain significance (1 of 4 stars; one submission).

gnomAD v4.1: 1 of 1,614,132 alleles (0.000062%); highest among the groups gnomAD compares: Non-Finnish European, 0.000085%; no homozygotes.

Submission:

CeGaT Center for Human Genetics Tuebingen
Classification: Uncertain significance. Last evaluated: 2025-07-01. Review status: criteria provided, single submitter. Criteria: CeGaT Center For Human Genetics Tuebingen Variant Classification Criteria Version 2. Collection method: clinical testing. Allele origin: germline. Affected: yes. Observed: 1 variant allele.
Comment: TCF20: PM2

NM_001378418.1(TCF20):c.2390A>C (p.Glu797Ala)

Gene: TCF20 (transcription factor 20; minus strand). Cytogenetic location: 22q13.2.
Variant type: single nucleotide variant.
Coding change: c.2390A>C on transcript NM_001378418.1 (MANE Select); coding-DNA position 2390, A replaced by C.
Protein change: p.Glu797Ala; replaces glutamic acid 797 with alanine.
Molecular consequence: missense variant.
Genome position (GRCh38, 1-based): chr22:42,212,916, T>G on the plus strand (A>C on the coding strand, the complement: TCF20 is on the minus strand). VCF-style: chr22-42212916-T-G. GRCh37 (hg19) VCF-style: chr22-42608922-T-G.
Other names: c.2390A>C, p.Glu797Ala (NM_005650.4, NM_181492.3); short protein forms E797A.
Identifiers: ClinVar variation 3778578 (VCV003778578.7).